The following is an entry in ClinVar:

NM_001256545.2(MEGF10):c.521G>C (p.Arg174Pro)

Gene: MEGF10 (multiple EGF like domains 10; plus strand). Cytogenetic location: 5q23.2.
Variant type: single nucleotide variant.
Coding change: c.521G>C on transcript NM_001256545.2 (MANE Select); coding-DNA position 521, G replaced by C.
Protein change: p.Arg174Pro; replaces arginine 174 with proline.
Molecular consequence: missense variant.
Genome position (GRCh38, 1-based): chr5:127,396,640, G>C. VCF-style: chr5-127396640-G-C. GRCh37 (hg19) VCF-style: chr5-126732332-G-C.
Other names: c.521G>C, p.Arg174Pro (NM_001308119.2, NM_001308121.2, NM_032446.3); short protein forms R174P.
Identifiers: ClinVar variation 4708025 (VCV004708025.1).

ClinVar aggregate classification (germline): Uncertain significance (1 of 4 stars; one submission).

Conditions:
MEGF10-related myopathy (CMYO10A). Also called: Congenital myopathy 10A, severe variant. Identifiers: Orphanet 439212, MedGen C3280679, MONDO:0013731, OMIM 614399.

gnomAD v4.1: 1 of 1,614,014 alleles (0.000062%); highest among the groups gnomAD compares: Non-Finnish European, 0.000085%; no homozygotes.

Submission:

Labcorp Genetics (formerly Invitae), Labcorp
Classification: Uncertain significance for MEGF10-related myopathy. Last evaluated: 2025-08-24. Review status: criteria provided, single submitter. Criteria: Invitae Variant Classification Sherloc (09022015). Collection method: clinical testing. Allele origin: germline.
Comment: This sequence change replaces arginine, which is basic and polar, with proline, which is neutral and non-polar, at codon 174 of the MEGF10 protein (p.Arg174Pro). This variant is not present in population databases (gnomAD no frequency). This variant has not been reported in the literature in individuals affected with MEGF10-related conditions. Invitae Evidence Modeling of protein sequence and biophysical properties (such as structural, functional, and spatial information, amino acid conservation, physicochemical variation, residue mobility, and thermodynamic stability) indicates that this missense variant is not expected to disrupt MEGF10 protein function with a negative predictive value of 80%. In summary, the available evidence is currently insufficient to determine the role of this variant in disease. Therefore, it has been classified as a Variant of Uncertain Significance.